The following is an entry in ClinVar:

NM_004208.4(AIFM1):c.249+1226G>C

Genes: RAB33A (RAB33A, member RAS oncogene family; plus strand), AIFM1 (apoptosis inducing factor mitochondria associated 1; minus strand). Cytogenetic location: Xq26.1.
Variant type: single nucleotide variant.
Coding change: c.249+1226G>C on transcript NM_004208.4 (MANE Select); 1226 bases into the intron after coding-DNA position 249, G replaced by C.
Molecular consequence: intron variant. On other transcripts: missense variant (1).
Genome position (GRCh38, 1-based): chrX:130,155,235, C>G on the plus strand (G>C on the coding strand, the complement: AIFM1 is on the minus strand). VCF-style: chrX-130155235-C-G. GRCh37 (hg19) VCF-style: chrX-129289210-C-G.
Other names: c.158G>C, p.Gly53Ala (NM_145812.3); c.249+1226G>C (NM_001130847.4); short protein forms G53A.
Identifiers: ClinVar variation 520724 (VCV000520724.3), dbSNP rs891049157, ClinGen allele CA335125875.

ClinVar aggregate classification (germline): Uncertain significance (1 of 4 stars; one submission).

Conditions:
Inborn genetic diseases. Identifiers: MedGen C0950123, MeSH D030342.

gnomAD v4.1: 2 of 1,209,094 alleles (0.00017%); highest among the groups gnomAD compares: Non-Finnish European, 0.00022%; no homozygotes.

Submission:

Ambry Genetics
Classification: Uncertain significance for Hereditary disease. Last evaluated: 2015-07-30. Review status: criteria provided, single submitter. Criteria: ambry_reporting_categories_2017. Collection method: clinical testing. Allele origin: germline. Affected: yes. Observed: 1 hemizygote. Segregation with disease observed.
Comment: Lines of evidence used in support of classification: UNCERTAIN: Alteration(s) of Uncertain Clinical Significance Detected

Literature cited by the submitters: PubMed 3856385; PubMed 20362274; PubMed 20818383; PubMed 22019070; PubMed 23217327; PubMed 26173962; PubMed 25986071; PubMed 25583628; PubMed 25934856; PubMed 27102849; PubMed 28842795.